The following is an entry in ClinVar:

ClinVar aggregate classification (germline): Uncertain significance (1 of 4 stars; one submission).

Conditions:
Neurodegeneration with brain iron accumulation 5 (NBIA5). Also called: STATIC ENCEPHALOPATHY OF CHILDHOOD WITH NEURODEGENERATION IN ADULTHOOD; Beta-propeller protein-associated neurodegeneration. Identifiers: Orphanet 329284, MedGen C3550973, MONDO:0010476, OMIM 300894.

Submission:

Kasturba Medical College, Manipal, Kasturba Medical College, Manipal, Manipal Academy of Higher Education, Manipal, India
Classification: Uncertain significance for Neurodegeneration with brain iron accumulation 5. Review status: criteria provided, single submitter. Criteria: ACMG Guidelines, 2015. Collection method: research. Allele origin: de novo. Inheritance: X-linked dominant inheritance. Affected: yes. Observed: 1 heterozygote.
Comment: This variant is not observed in the gnomAD (v4.1.0) population database and our in-house database of 3412 individuals. In silico prediction tools (MutationTaster and SpliceAI) are consistent in predicting the variant to cause aberrant splicing. The clinical features observed in the proband overlap with neurodegeneration with brain iron accumulation 5.

NM_001029896.2(WDR45):c.516+26G>A

Gene: WDR45 (WD repeat domain 45; minus strand). Cytogenetic location: Xp11.23.
Variant type: single nucleotide variant.
Coding change: c.516+26G>A on transcript NM_001029896.2 (MANE Select); 26 bases into the intron after coding-DNA position 516, G replaced by A.
Molecular consequence: intron variant.
Genome position (GRCh38, 1-based): chrX:49,075,840, C>T on the plus strand (G>A on the coding strand, the complement: WDR45 is on the minus strand). VCF-style: chrX-49075840-C-T. GRCh37 (hg19) VCF-style: chrX-48933499-C-T.
Other names: c.519+26G>A (NM_007075.4).
Identifiers: ClinVar variation 3544380 (VCV003544380.2).